The following is an entry in ClinVar:

ClinVar aggregate classification (germline): Uncertain significance (1 of 4 stars; one submission).

Conditions:
Wilson disease (WND). Also called: Wilson's disease. Identifiers: Orphanet 905, MedGen C0019202, MONDO:0010200, OMIM 277900. Disease mechanism: loss of function.

Submission:

Labcorp Genetics (formerly Invitae), Labcorp
Classification: Uncertain significance for Wilson disease. Last evaluated: 2021-11-17. Review status: criteria provided, single submitter. Criteria: Invitae Variant Classification Sherloc (09022015). Collection method: clinical testing. Allele origin: germline.
Comment: In summary, the available evidence is currently insufficient to determine the role of this variant in disease. Therefore, it has been classified as a Variant of Uncertain Significance. Variants that disrupt the consensus splice site are a relatively common cause of aberrant splicing (PMID: 17576681, 9536098). Algorithms developed to predict the effect of sequence changes on RNA splicing suggest that this variant is not likely to affect RNA splicing. This variant has not been reported in the literature in individuals affected with ATP7B-related conditions. This variant is not present in population databases (gnomAD no frequency). This sequence change falls in intron 5 of the ATP7B gene. It does not directly change the encoded amino acid sequence of the ATP7B protein. It affects a nucleotide within the consensus splice site.

Literature cited by the submitters: PubMed 17576681; PubMed 9536098.

NM_000053.4(ATP7B):c.1869+4A>T

Gene: ATP7B (ATPase copper transporting beta; minus strand). Cytogenetic location: 13q14.3.
Variant type: single nucleotide variant.
Coding change: c.1869+4A>T on transcript NM_000053.4 (MANE Select); 4 bases into the intron after coding-DNA position 1869, A replaced by T.
Molecular consequence: intron variant.
Genome position (GRCh38, 1-based): chr13:51,964,868, T>A on the plus strand (A>T on the coding strand, the complement: ATP7B is on the minus strand). VCF-style: chr13-51964868-T-A. GRCh37 (hg19) VCF-style: chr13-52539004-T-A.
Other names: c.1536+4A>T (NM_001243182.2); c.1869+4A>T (NM_001005918.3, NM_001330579.2, NM_001330578.2).
Identifiers: ClinVar variation 1462405 (VCV001462405.6), dbSNP rs2139767595, ClinGen allele CA2573149658.